The following is an entry in ClinVar:

ClinVar aggregate classification (germline): Pathogenic (1 of 4 stars; one submission).

Conditions:
Autosomal recessive nonsyndromic hearing loss 77. Identifiers: Orphanet 90636, MedGen C2746083, MONDO:0013119, OMIM 613079.

Submission:

Myriad Genetics, Inc.
Classification: Pathogenic for Autosomal recessive nonsyndromic hearing loss 77. Last evaluated: 2024-07-09. Review status: criteria provided, single submitter. Criteria: Myriad Autosomal Dominant, Autosomal Recessive and X-Linked Classification Criteria (2023). Collection method: clinical testing. Allele origin: unknown.
Comment: NM_144612.6(LOXHD1):c.5158delC(L1720Sfs*33) is expected to be pathogenic in the context of nonsyndromic hearing loss, LOXHD1-related. This variant is predicted to lead to an abnormal or absent protein product due to the creation of a premature termination codon in LOXHD1, a gene where loss-of-function variants are known to be pathogenic. Please note: this variant was assessed in the context of healthy population screening.

NM_001384474.1(LOXHD1):c.5344del (p.Leu1782fs)

Gene: LOXHD1 (lipoxygenase homology PLAT domains 1; minus strand). Cytogenetic location: 18q21.1.
Variant type: Deletion.
Coding change: c.5344del on transcript NM_001384474.1 (MANE Select); coding-DNA position 5344, one base deleted (C; older notation c.5344delC).
Protein change: p.Leu1782fs; shifts the reading frame from leucine 1782.
Molecular consequence: frameshift variant.
Genome position (GRCh38, 1-based): chr18:46,518,184, G deleted on the plus strand (C on the coding strand, the reverse complement: LOXHD1 is on the minus strand); the first of 3 consecutive G bases (chr18:46,518,184-46,518,186); deleting any one gives the same sequence. VCF-style (leftmost placement, unchanged base first): chr18-46518183-AG-A. GRCh37 (hg19) VCF-style: chr18-44098146-AG-A.
Other names: c.2011del, p.Leu671fs (NM_001145472.3); c.61del, p.Leu21fs (NM_001145473.3, NM_001173129.2); c.1723del, p.Leu575fs (NM_001308013.2); c.5158del, p.Leu1720fs (NM_144612.7); short protein forms L1720fs, L1782fs, L21fs, L575fs, L671fs.
Identifiers: ClinVar variation 5013292 (VCV005013292.1).